The following is an entry in ClinVar:

NM_000051.4(ATM):c.2639-8del

Gene: ATM (ATM serine/threonine kinase; plus strand). Cytogenetic location: 11q22.3.
Variant type: Deletion.
Coding change: c.2639-8del on transcript NM_000051.4 (MANE Select); 8 bases into the intron before coding-DNA position 2639, one base deleted (A; older notation c.2639-8delA).
Molecular consequence: intron variant.
Genome position (GRCh38, 1-based): chr11:108,268,402, A deleted. VCF-style (leftmost placement, unchanged base first): chr11-108268401-TA-T. GRCh37 (hg19) VCF-style: chr11-108139128-TA-T.
Other names: c.2639-8del (NM_001351834.2).
Identifiers: ClinVar variation 1085925 (VCV001085925.10), dbSNP rs2135522747, ClinGen allele CA2499220584.

ClinVar aggregate classification (germline): Likely benign. Review status: criteria provided, multiple submitters, no conflicts (2 of 4 stars). 2 submissions from 2 submitters: Likely benign (2). Last evaluated 2024-05-10.

Conditions:
Familial cancer of breast. Also called: BREAST CANCER, FAMILIAL; Hereditary breast cancer; hereditary breast carcinoma. Identifiers: Orphanet 227535, MedGen C0346153, MONDO:0016419, OMIM 114480. Disease mechanism: loss of function.
Ataxia-telangiectasia syndrome (AT). Also called: Ataxia-telangiectasia, complementation group D; Ataxia-telangiectasia, complementation group E; Cerebello-oculocutaneous telangiectasia; Immunodeficiency with ataxia telangiectasia; Ataxia telangiectasia (A-T); Ataxia-telangiectasia. Identifiers: Orphanet 100, MedGen C0004135, MONDO:0008840, OMIM 208900.

Submissions (2):

Myriad Genetics, Inc.
Classification: Likely benign for Familial cancer of breast. Last evaluated: 2024-05-10. Review status: criteria provided, single submitter. Criteria: Myriad Autosomal Dominant, Autosomal Recessive and X-Linked Classification Criteria (2023). Collection method: clinical testing. Allele origin: unknown.
Comment: This variant is considered likely benign. This variant is intronic and is not expected to impact mRNA splicing.

Labcorp Genetics (formerly Invitae), Labcorp
Classification: Likely benign for Ataxia-telangiectasia syndrome. Last evaluated: 2022-10-25. Review status: criteria provided, single submitter. Criteria: Invitae Variant Classification Sherloc (09022015). Collection method: clinical testing. Allele origin: germline.